The following is an entry in ClinVar:

ClinVar aggregate classification (germline): Uncertain significance (1 of 4 stars; one submission).

Submission:

Ambry Genetics
Classification: Uncertain significance. Last evaluated: 2026-03-28. Review status: criteria provided, single submitter. Criteria: Ambry Variant Classification Scheme 2023. Collection method: clinical testing. Allele origin: germline.
Comment: The p.E205A variant (also known as c.614A>C), located in coding exon 7 of the FAM175A gene, results from an A to C substitution at nucleotide position 614. The glutamic acid at codon 205 is replaced by alanine, an amino acid with dissimilar properties. This amino acid position is conserved. In addition, this alteration is predicted to be tolerated by in silico analysis. Based on the available evidence, the clinical significance of this variant remains unclear.

NM_139076.3(ABRAXAS1):c.614A>C (p.Glu205Ala)

Gene: ABRAXAS1 (abraxas 1, BRCA1 A complex subunit; minus strand). Cytogenetic location: 4q21.23.
Variant type: single nucleotide variant.
Coding change: c.614A>C on transcript NM_139076.3 (MANE Select); coding-DNA position 614, A replaced by C.
Protein change: p.Glu205Ala; replaces glutamic acid 205 with alanine.
Molecular consequence: missense variant.
Genome position (GRCh38, 1-based): chr4:83,467,521, T>G on the plus strand (A>C on the coding strand, the complement: ABRAXAS1 is on the minus strand). VCF-style: chr4-83467521-T-G. GRCh37 (hg19) VCF-style: chr4-84388674-T-G.
Other names: c.287A>C, p.Glu96Ala (NM_001345962.2); short protein forms E205A, E96A.
Identifiers: ClinVar variation 4864645 (VCV004864645.1).